The following is an entry in ClinVar:

ClinVar aggregate classification (germline): Uncertain significance. Review status: criteria provided, multiple submitters, no conflicts (2 of 4 stars). 5 submissions from 5 submitters: Uncertain significance (4). 1 of the submissions does not count toward it. Last evaluated 2024-11-18.

Conditions:
Bronchiectasis with or without elevated sweat chloride 1 (BESC1). Also called: Cystic Fibrosis-Like Syndrome. Identifiers: Orphanet 60033, MedGen C2749757, MONDO:0008887, OMIM 211400.
Cystic fibrosis (CF). Also called: MUCOVISCIDOSIS. Identifiers: Orphanet 586, MedGen C0010674, MONDO:0009061, OMIM 219700. Disease mechanism: loss of function.
Congenital bilateral aplasia of vas deferens from CFTR mutation (CBAVD). Identifiers: Orphanet 48, MedGen C0403814, MONDO:0010178, OMIM 277180. Disease mechanism: loss of function.
Hereditary pancreatitis (PCTT). Also called: Hereditary chronic pancreatitis; PRSS1-Related Hereditary Pancreatitis. Identifiers: Orphanet 676, MedGen C0238339, MONDO:0008185, OMIM 167800.
CFTR-related disorder (CFTR-RD). Also called: CFTR-related disorders; CFTR-related condition. Identifiers: MedGen C5924204, MONDO:7770004.

Allele frequency attached by ClinVar (database versions not stated): gnomAD exomes 0.00001 and 0.00002; gnomAD 0.00001; TOPMed 0.00001.
gnomAD v4.1: 24 of 1,608,678 alleles (0.0015%); highest among the groups gnomAD compares: Non-Finnish European, 0.002%; no homozygotes.

Submissions (5):

Labcorp Genetics (formerly Invitae), Labcorp
Classification: Uncertain significance for Cystic fibrosis. Last evaluated: 2024-11-18. Review status: criteria provided, single submitter. Criteria: Invitae Variant Classification Sherloc (09022015). Collection method: clinical testing. Allele origin: germline.
Comment: This sequence change replaces leucine, which is neutral and non-polar, with valine, which is neutral and non-polar, at codon 24 of the CFTR protein (p.Leu24Val). This variant is present in population databases (no rsID available, gnomAD 0.002%). This variant has not been reported in the literature in individuals affected with CFTR-related conditions. ClinVar contains an entry for this variant (Variation ID: 965976). Invitae Evidence Modeling of protein sequence and biophysical properties (such as structural, functional, and spatial information, amino acid conservation, physicochemical variation, residue mobility, and thermodynamic stability) has been performed for this missense variant. However, the output from this modeling did not meet the statistical confidence thresholds required to predict the impact of this variant on CFTR protein function. In summary, the available evidence is currently insufficient to determine the role of this variant in disease. Therefore, it has been classified as a Variant of Uncertain Significance.

Ambry Genetics
Classification: Uncertain significance for Cystic fibrosis. Last evaluated: 2021-09-09. Review status: criteria provided, single submitter. Criteria: Ambry Variant Classification Scheme 2023. Collection method: clinical testing. Allele origin: germline.
Comment: The p.L24V variant (also known as c.70T>G), located in coding exon 2 of the CFTR gene, results from a T to G substitution at nucleotide position 70. The leucine at codon 24 is replaced by valine, an amino acid with highly similar properties. This amino acid position is highly conserved in available vertebrate species. In addition, this alteration is predicted to be deleterious by in silico analysis. Since supporting evidence is limited at this time, the clinical significance of this alteration remains unclear.

Quest Diagnostics Nichols Institute San Juan Capistrano
Classification: Uncertain significance. Last evaluated: 2021-08-20. Review status: criteria provided, single submitter. Criteria: Quest Diagnostics criteria. Collection method: clinical testing. Allele origin: unknown.

Fulgent Genetics
Classification: Uncertain significance for Hereditary pancreatitis; Bronchiectasis with or without elevated sweat chloride 1; Cystic fibrosis; Congenital bilateral aplasia of vas deferens from CFTR mutation. Last evaluated: 2021-07-11. Review status: criteria provided, single submitter. Criteria: ACMG Guidelines, 2015. Collection method: clinical testing. Allele origin: unknown.

Natera, Inc.
Classification: Uncertain significance for CFTR-related disorders. Last evaluated: 2018-06-11. Review status: no assertion criteria provided. Collection method: clinical testing. Allele origin: germline. Not counted in ClinVar's aggregate classification.

NM_000492.4(CFTR):c.70T>G (p.Leu24Val)

Gene: CFTR (CF transmembrane conductance regulator; plus strand). Cytogenetic location: 7q31.2.
Variant type: single nucleotide variant.
Coding change: c.70T>G on transcript NM_000492.4 (MANE Select); coding-DNA position 70, T replaced by G.
Protein change: p.Leu24Val; replaces leucine 24 with valine.
Molecular consequence: missense variant.
Genome position (GRCh38, 1-based): chr7:117,504,269, T>G. VCF-style: chr7-117504269-T-G. GRCh37 (hg19) VCF-style: chr7-117144323-T-G.
Other names: short protein forms L24V.
Identifiers: ClinVar variation 965976 (VCV000965976.8), dbSNP rs1056986309, ClinGen allele CA164963557.
Genomic context (GRCh38, chr7:117,504,269, plus strand): 5'-AGACCAAATCAAGTGAATATCTGTTCCTCCTCTCTTTATTTTAGCTGGACCAGACCAATT[T>G]TGAGGAAAGGATACAGACAGCGCCTGGAATTGTCAGACATATACCAAATCCCTTCTGTTG-3'
Protein context (NP_000483.3, residues 14-34): KLFFSWTRPI[Leu24Val]RKGYRQRLEL